The following is an entry in ClinVar:

NM_003361.4(UMOD):c.1899C>T (p.Ala633=)

Gene: UMOD (uromodulin; minus strand). Cytogenetic location: 16p12.3.
Variant type: single nucleotide variant.
Coding change: c.1899C>T on transcript NM_003361.4 (MANE Select); coding-DNA position 1899, C replaced by T.
Protein change: p.Ala633=; no amino-acid change (alanine 633 retained).
Molecular consequence: synonymous variant. On other transcripts: non-coding transcript variant (1).
Genome position (GRCh38, 1-based): chr16:20,333,338, G>A on the plus strand (C>T on the coding strand, the complement: UMOD is on the minus strand). VCF-style: chr16-20333338-G-A. GRCh37 (hg19) VCF-style: chr16-20344660-G-A.
Other names: c.1899C>T, p.Ala633= (NM_001008389.3, NM_001378232.1, NM_001378233.1); c.1998C>T, p.Ala666= (NM_001278614.2); c.2040C>T, p.Ala680= (NM_001378234.1, NM_001378235.1).
Identifiers: ClinVar variation 1879339 (VCV001879339.29), dbSNP rs781774946, ClinGen allele CA7938981.

ClinVar aggregate classification (germline): Likely benign (1 of 4 stars; one submission).

Allele frequency attached by ClinVar (database versions not stated): ExAC 0.00001; gnomAD exomes 0.00001.
gnomAD v4.1: 10 of 1,613,304 alleles (0.00062%); highest among the groups gnomAD compares: South Asian, 0.0044%; no homozygotes.

Submission:

CeGaT Center for Human Genetics Tuebingen
Classification: Likely benign. Last evaluated: 2025-09-01. Review status: criteria provided, single submitter. Criteria: CeGaT Center For Human Genetics Tuebingen Variant Classification Criteria Version 2. Collection method: clinical testing. Allele origin: germline. Affected: yes. Observed: 2 variant alleles.
Comment: UMOD: BP4, BP7